The following is an entry in ClinVar:

ClinVar aggregate classification (germline): Uncertain significance. Review status: criteria provided, single submitter (1 of 4 stars). 2 submissions from 2 submitters: Uncertain significance (1). 1 of the submissions does not count toward it.

Conditions:
Leukodystrophy, hypomyelinating, 2. Also called: PELIZAEUS-MERZBACHER-LIKE DISEASE, 1. Identifiers: Orphanet 280270, Orphanet 280282, MedGen C1837355, MONDO:0012125, OMIM 608804.

gnomAD v4.1: 1 of 1,612,556 alleles (0.000062%); highest among the groups gnomAD compares: South Asian, 0.0011%; no homozygotes.

Submissions (2):

Neuberg Centre For Genomic Medicine, NCGM
Classification: Uncertain significance for Leukodystrophy, hypomyelinating, 2. Review status: criteria provided, single submitter. Criteria: ACMG Guidelines, 2015. Collection method: clinical testing. Allele origin: germline. Inheritance: Autosomal recessive inheritance. Affected: yes.
Comment: The missense c.814T>C (p.Tyr272His) variant in GJC2 gene has not been reported previously as a pathogenic variant nor as a benign variant, to our knowledge. The variant is observed in 0.0004% alleles in gnomAD Exomes and is novel (not in any individuals) in 1000 Genomes. The amino acid Tyr at position 272 is changed to a His changing protein sequence and it might alter its composition and physico-chemical properties. The amino acid change p.Tyr272His in GJC2 is predicted as conserved by GERP++ and PhyloP across 100 vertebrates. For these reasons, this variant has been classified as Uncertain significance.

Hong-Tao Li Lab, Institute of Brain Science and Brain-inspired Research, Shandong First Medical University & Shandong Academy of Medical Sciences China
Classification: Pathogenic for Leukodystrophy, hypomyelinating, 2. Review status: no assertion criteria provided. Collection method: research. Allele origin: germline. Inheritance: Autosomal recessive inheritance. Affected: yes. Observed: 1 variant allele, 1 homozygote. Not counted in ClinVar's aggregate classification.
Comment: Observed in affected individuals from a Pakistani neurodevelopmental-disorder research cohort of 263 individuals. Classification assigned using the ACMG/AMP framework. Population-frequency evidence: gnomAD AF 4e-06.

NM_020435.4(GJC2):c.814T>C (p.Tyr272His)

Gene: GJC2 (gap junction protein gamma 2; plus strand). Cytogenetic location: 1q42.13.
Variant type: single nucleotide variant.
Coding change: c.814T>C on transcript NM_020435.4 (MANE Select); coding-DNA position 814, T replaced by C.
Protein change: p.Tyr272His; replaces tyrosine 272 with histidine.
Molecular consequence: missense variant.
Genome position (GRCh38, 1-based): chr1:228,158,572, T>C. VCF-style: chr1-228158572-T-C. GRCh37 (hg19) VCF-style: chr1-228346273-T-C.
Other names: short protein forms Y272H.
Identifiers: ClinVar variation 2585089 (VCV002585089.2), dbSNP rs74315314, ClinGen allele CA345099547.